The following is an entry in ClinVar:

ClinVar aggregate classification (germline): not provided (0 of 4 stars; one submission).

Conditions:
Small for gestational age. Also called: Low birth weight. Identifiers: MedGen C0235991, HP:0001518.

Submission:

Institute of Molecular and Cell Biology, University of Tartu
No classification provided. Condition: Small for gestational age. Review status: no classification provided. Collection method: case-control. Allele origin: unknown. Affected: yes. Study: Kasak2014.
Comment: The study aimed to determine the contribution of copy number variants in the genetic etiology of normal and complicated pregnancies. The samples represented (i) maternal blood DNA drawn from healthy pregnant women during 1st or 2nd trimester and (ii) maternal and paternal blood DNA drawn at term pregnancy cases representing normal and complicated gestations (severe preeclampsia, PE; gestational diabetes, GD; small-for-gestational age newborn, SGA; large-for-gestational age newborn, LGA). We performed CNV calling based on genome-wide genotyping dataset (Illumina HumanOmniExpress-24-v1 BeadChip) by applying three algorithms, QuantiSNP, GADA (Genome Alteration Detection Algorithm) and CNstream in parallel. The acquired CNV calls were merged with HD-CNV (Hotspot Detector for Copy Number Variants) program and only the CNVs predicted by at least two programs, were considered in subsequent analysis.

Literature cited by the submitters: PubMed 25666259.

NC_000003.12:g.163943745_163946498del

Variant type: Deletion.
Genome position: GRCh38: chr3:163,943,745-163,946,498. GRCh37 (hg19): chr3:163,661,533-163,664,286.
Identifiers: ClinVar variation 156895 (VCV000156895.3), ClinGen allele CA212057.